The following is an entry in ClinVar:

ClinVar aggregate classification (germline): Uncertain significance (1 of 4 stars; one submission).

Submission:

Labcorp Genetics (formerly Invitae), Labcorp
Classification: Uncertain significance. Last evaluated: 2023-09-20. Review status: criteria provided, single submitter. Criteria: Invitae Variant Classification Sherloc (09022015). Collection method: clinical testing. Allele origin: germline.
Comment: In summary, the available evidence is currently insufficient to determine the role of this variant in disease. Therefore, it has been classified as a Variant of Uncertain Significance. Algorithms developed to predict the effect of sequence changes on RNA splicing suggest that this variant may create or strengthen a splice site. This variant has not been reported in the literature in individuals affected with COL11A2-related conditions. This variant is not present in population databases (gnomAD no frequency). This sequence change affects codon 32 of the COL11A2 mRNA. It is a 'silent' change, meaning that it does not change the encoded amino acid sequence of the COL11A2 protein.

NM_080680.3(COL11A2):c.96G>A (p.Val32=)

Gene: COL11A2 (collagen type XI alpha 2 chain; minus strand). Cytogenetic location: 6p21.32.
Variant type: single nucleotide variant.
Coding change: c.96G>A on transcript NM_080680.3 (MANE Select); coding-DNA position 96, G replaced by A.
Protein change: p.Val32=; no amino-acid change (valine 32 retained).
Molecular consequence: synonymous variant. On other transcripts: 5 prime UTR variant (3), non-coding transcript variant (1).
Genome position (GRCh38, 1-based): chr6:33,189,456, C>T on the plus strand (G>A on the coding strand, the complement: COL11A2 is on the minus strand). VCF-style: chr6-33189456-C-T. GRCh37 (hg19) VCF-style: chr6-33157233-C-T.
Other names: c.96G>A, p.Val32= (NM_001163771.2, NM_001424108.1, NM_080679.3 and 1 more transcripts); c.-751G>A (NM_001424109.1, NM_001424110.1, NM_001424111.1).
Identifiers: ClinVar variation 2761931 (VCV002761931.3), dbSNP rs2535562175, ClinGen allele CA449852923.